The following is an entry in ClinVar:

GRCh37/hg19 4p16.3(chr4:68345-1675143)x1

Genes: ATP5ME (ATP synthase membrane subunit e; minus strand), CPLX1 (complexin 1; minus strand), CRIPAK (cysteine rich PAK1 inhibitor; plus strand), CTBP1 (C-terminal binding protein 1; minus strand), DGKQ (diacylglycerol kinase theta; minus strand) and 21 more. Cytogenetic location: 4p16.3.
Variant type: copy number loss.
Change: copy number 1 (one copy instead of two) of chr4:68,345-1,675,143 (1.61 Mb, GRCh37 coordinates, 1-based), cytogenetic band 4p16.3.
Identifiers: ClinVar variation 1341163 (VCV001341163.1).

ClinVar aggregate classification (germline): Pathogenic (0 of 4 stars; one submission).

Submission:

Quest Diagnostics Nichols Institute San Juan Capistrano
Classification: Pathogenic. Last evaluated: 2021-02-01. Review status: no assertion criteria provided. Collection method: clinical testing. Allele origin: germline.
Comment: This terminal deletion of 4p16.3 is associated with Wolf-Hirschhorn syndrome (WHS), a contiguous gene deletion syndrome associated with a hemizygous deletion of chromosome 4p16.3 (OMIM #194190). It is characterized by typical craniofacial features in infancy consisting of "Greek warrior helmet" appearance of the nose, microcephaly, high anterior hairline with prominent glabella, widely spaced eyes, epicanthus, highly arched eyebrows, short philtrum, downturned corners of the mouth, micrognathia, and poorly formed ears with pits/tags. All affected individuals have prenatal-onset growth deficiency followed by postnatal growth retardation and hypotonia with muscle underdevelopment. Developmental delay/intellectual disability of variable degree is present in all. Seizures occur in 90% to 100% of children with WHS. Other findings include skeletal anomalies (60%-70%), congenital heart defects (~50%), hearing loss (mostly conductive) (>40%), urinary tract malformations (25%), and structural brain abnormalities (33%). Although WHSC1/NSD2 and LETM1 are typically deleted in WHS, deletion of additional genes is likely required for the full expression of the phenotype. About 40%-45% have an unbalanced translocation with both a deletion of 4p and a partial trisomy of a different chromosome arm. These unbalanced translocations may be de novo or inherited from a parent with a balanced rearrangement. (Battaglia et al., GeneReviews. Available from an online resource; Paradowska-Stolarz Adv Clin Exp Med. 2014 May-Jun;23(3):485-9. PMID: 24979523).